The following is an entry in ClinVar:

ClinVar aggregate classification (germline): Uncertain significance (1 of 4 stars; one submission).

Conditions:
Long QT syndrome (LQTS). Identifiers: MedGen C0023976, MeSH D008133, MONDO:0002442. Disease mechanism: loss of function. Inheritance: Various modes of inheritance.

Allele frequency attached by ClinVar (database versions not stated): gnomAD exomes below 0.00001.
gnomAD v4.1: 1 of 1,593,696 alleles (0.000063%); highest among the groups gnomAD compares: Middle Eastern, 0.017%; no homozygotes.

Submission:

Labcorp Genetics (formerly Invitae), Labcorp
Classification: Uncertain significance for Long QT syndrome. Last evaluated: 2023-01-06. Review status: criteria provided, single submitter. Criteria: Invitae Variant Classification Sherloc (09022015). Collection method: clinical testing. Allele origin: germline.
Comment: In summary, the available evidence is currently insufficient to determine the role of this variant in disease. Therefore, it has been classified as a Variant of Uncertain Significance. Advanced modeling of protein sequence and biophysical properties (such as structural, functional, and spatial information, amino acid conservation, physicochemical variation, residue mobility, and thermodynamic stability) performed at Invitae indicates that this missense variant is not expected to disrupt CACNA1C protein function. This variant has not been reported in the literature in individuals affected with CACNA1C-related conditions. This variant is not present in population databases (gnomAD no frequency). This sequence change replaces proline, which is neutral and non-polar, with serine, which is neutral and polar, at codon 40 of the CACNA1C protein (p.Pro40Ser).

NM_000719.7(CACNA1C):c.118C>T (p.Pro40Ser)

Gene: CACNA1C (calcium voltage-gated channel subunit alpha1 C; plus strand). Cytogenetic location: 12p13.33.
Variant type: single nucleotide variant.
Coding change: c.118C>T on transcript NM_000719.7 (MANE Select); coding-DNA position 118, C replaced by T.
Protein change: p.Pro40Ser; replaces proline 40 with serine.
Molecular consequence: missense variant.
Genome position (GRCh38, 1-based): chr12:2,115,292, C>T. VCF-style: chr12-2115292-C-T. GRCh37 (hg19) VCF-style: chr12-2224458-C-T.
Other names: c.118C>T, p.Pro40Ser (NM_001129827.2, NM_001129829.2, NM_001129830.3 and 19 more transcripts); short protein forms P40S.
Identifiers: ClinVar variation 2826485 (VCV002826485.3), dbSNP rs2547561170, ClinGen allele CA383652966.
Genomic context (GRCh38, chr12:2,115,292, plus strand): 5'-TATGGGAGCCCACGCCCCGCCCATGCCAACATGAATGCCAATGCGGCAGCGGGGCTGGCC[C>T]CTGAGCACATCCCCACCCCGGGGGCTGCCCTGTCGTGGCAGGCGGCCATCGACGCAGCCC-3'
Protein context (NP_000710.5, residues 30-50): MNANAAAGLA[Pro40Ser]EHIPTPGAAL